The following is an entry in ClinVar:

ClinVar aggregate classification (germline): Uncertain significance (1 of 4 stars; one submission).

Conditions:
Hypodontia. Also called: Partial congenital absence of teeth; TOOTH AGENESIS, FAMILIAL; Tooth agenesis, selective. Identifiers: Orphanet 99798, MedGen C0020608, MONDO:0005486, HP:0000668. Disease mechanism: loss of function.

Allele frequency attached by ClinVar (database versions not stated): gnomAD 0.00003 and 0.00006; TOPMed 0.00005; 1000 Genomes Project 0.00020; 1000 Genomes Project 30x 0.00031.
gnomAD v4.1: 9 of 1,614,122 alleles (0.00056%); highest among the groups gnomAD compares: African/African-American, 0.011%; no homozygotes.

Submission:

Labcorp Genetics (formerly Invitae), Labcorp
Classification: Uncertain significance for Hypodontia. Last evaluated: 2022-07-06. Review status: criteria provided, single submitter. Criteria: Invitae Variant Classification Sherloc (09022015). Collection method: clinical testing. Allele origin: germline.
Comment: This sequence change replaces leucine, which is neutral and non-polar, with phenylalanine, which is neutral and non-polar, at codon 310 of the PAX9 protein (p.Leu310Phe). In summary, the available evidence is currently insufficient to determine the role of this variant in disease. Therefore, it has been classified as a Variant of Uncertain Significance. Algorithms developed to predict the effect of missense changes on protein structure and function are either unavailable or do not agree on the potential impact of this missense change (SIFT: "Tolerated"; PolyPhen-2: "Probably Damaging"; Align-GVGD: "Class C0"). ClinVar contains an entry for this variant (Variation ID: 858946). This variant has not been reported in the literature in individuals affected with PAX9-related conditions. This variant is present in population databases (rs116602527, gnomAD 0.01%).

NM_001372076.1(PAX9):c.930G>C (p.Leu310Phe)

Gene: PAX9 (paired box 9; plus strand). Cytogenetic location: 14q13.3.
Variant type: single nucleotide variant.
Coding change: c.930G>C on transcript NM_001372076.1 (MANE Select); coding-DNA position 930, G replaced by C.
Protein change: p.Leu310Phe; replaces leucine 310 with phenylalanine.
Molecular consequence: missense variant.
Genome position (GRCh38, 1-based): chr14:36,676,356, G>C. VCF-style: chr14-36676356-G-C. GRCh37 (hg19) VCF-style: chr14-37145561-G-C.
Other names: c.930G>C, p.Leu310Phe (NM_006194.4); short protein forms L310F.
Identifiers: ClinVar variation 858946 (VCV000858946.10), dbSNP rs116602527, ClinGen allele CA258895064.